The following is an entry in ClinVar:

ClinVar aggregate classification (germline): Uncertain significance (1 of 4 stars; one submission).

Conditions:
Familial thoracic aortic aneurysm and aortic dissection (TAAD). Also called: Thoracic aortic aneurysms and dissections. Identifiers: Orphanet 91387, MedGen C4707243, MONDO:0019625.

gnomAD v4.1: 4 of 1,614,254 alleles (0.00025%); highest among the groups gnomAD compares: East Asian, 0.0022%; no homozygotes.

Submission:

Ambry Genetics
Classification: Uncertain significance for Familial thoracic aortic aneurysm and aortic dissection. Last evaluated: 2024-04-12. Review status: criteria provided, single submitter. Criteria: Ambry Variant Classification Scheme 2023. Collection method: clinical testing. Allele origin: germline.
Comment: The p.I227V variant (also known as c.679A>G), located in coding exon 4 of the TGFBR2 gene, results from an A to G substitution at nucleotide position 679. The isoleucine at codon 227 is replaced by valine, an amino acid with highly similar properties. This amino acid position is conserved. In addition, this alteration is predicted to be tolerated by in silico analysis. Based on the available evidence, the clinical significance of this variant remains unclear.

NM_003242.6(TGFBR2):c.679A>G (p.Ile227Val)

Gene: TGFBR2 (transforming growth factor beta receptor 2; plus strand). Cytogenetic location: 3p24.1.
Variant type: single nucleotide variant.
Coding change: c.679A>G on transcript NM_003242.6 (MANE Select); coding-DNA position 679, A replaced by G.
Protein change: p.Ile227Val; replaces isoleucine 227 with valine.
Molecular consequence: missense variant. On other transcripts: intron variant (1).
Genome position (GRCh38, 1-based): chr3:30,671,862, A>G. VCF-style: chr3-30671862-A-G. GRCh37 (hg19) VCF-style: chr3-30713354-A-G.
Other names: c.574A>G, p.Ile192Val (NM_001407134.1, NM_001407135.1, NM_001407136.1 and 2 more transcripts); c.394A>G, p.Ile132Val (NM_001407137.1); c.319A>G, p.Ile107Val (NM_001407138.1); c.530-16525A>G (NM_001407139.1); c.754A>G, p.Ile252Val (NM_001024847.3); c.862A>G, p.Ile288Val (NM_001407126.1); c.787A>G, p.Ile263Val (NM_001407127.1); c.706A>G, p.Ile236Val (NM_001407128.1); and 2 more; short protein forms I227V, I107V, I228V, I236V, I132V, I252V, I263V, I288V.
Identifiers: ClinVar variation 3325718 (VCV003325718.1).